The following is an entry in ClinVar:

NM_006361.6(HOXB13):c.167C>T (p.Ser56Leu)

Gene: HOXB13 (homeobox B13; minus strand). Cytogenetic location: 17q21.32.
Variant type: single nucleotide variant.
Coding change: c.167C>T on transcript NM_006361.6 (MANE Select); coding-DNA position 167, C replaced by T.
Protein change: p.Ser56Leu; replaces serine 56 with leucine.
Molecular consequence: missense variant.
Genome position (GRCh38, 1-based): chr17:48,728,427, G>A on the plus strand (C>T on the coding strand, the complement: HOXB13 is on the minus strand). VCF-style: chr17-48728427-G-A. GRCh37 (hg19) VCF-style: chr17-46805789-G-A.
Other names: short protein forms S56L.
Identifiers: ClinVar variation 690583 (VCV000690583.12), dbSNP rs1597934937, ClinGen allele CA400109007.

ClinVar aggregate classification (germline): Conflicting classifications of pathogenicity. Review status: criteria provided, conflicting classifications (1 of 4 stars). 3 submissions from 3 submitters: Uncertain significance (1); Likely benign (1). 1 of the submissions does not count toward it. Last evaluated 2026-05-11.

Conditions:
Hereditary cancer-predisposing syndrome. Also called: Neoplastic Syndromes, Hereditary; Hereditary neoplastic syndrome; Hereditary Cancer Syndrome; Tumor predisposition. Identifiers: Orphanet 140162, MedGen C0027672, MeSH D009386, MONDO:0015356.
Prostate cancer, hereditary, 1 (HPC1). Identifiers: Orphanet 1331, MedGen C4722327, MONDO:0011098, OMIM 601518.

Allele frequency attached by ClinVar (database versions not stated): gnomAD 0.00001.

Submissions (3):

Ambry Genetics
Classification: Likely benign for Hereditary cancer-predisposing syndrome. Last evaluated: 2026-05-11. Review status: criteria provided, single submitter. Criteria: Ambry Variant Classification Scheme 2023. Collection method: clinical testing. Allele origin: germline.

Labcorp Genetics (formerly Invitae), Labcorp
Classification: Uncertain significance. Last evaluated: 2022-10-04. Review status: criteria provided, single submitter. Criteria: Invitae Variant Classification Sherloc (09022015). Collection method: clinical testing. Allele origin: germline.
Comment: In summary, the available evidence is currently insufficient to determine the role of this variant in disease. Therefore, it has been classified as a Variant of Uncertain Significance. Algorithms developed to predict the effect of missense changes on protein structure and function (SIFT, PolyPhen-2, Align-GVGD) all suggest that this variant is likely to be tolerated. ClinVar contains an entry for this variant (Variation ID: 690583). This variant has not been reported in the literature in individuals affected with HOXB13-related conditions. This variant is not present in population databases (gnomAD no frequency). This sequence change replaces serine, which is neutral and polar, with leucine, which is neutral and non-polar, at codon 56 of the HOXB13 protein (p.Ser56Leu).

Laboratory of Virology, Microbiology,  Quality and Medical Biotechnologies, Faculty of Sciences and Techniques - Mohammedia, Hassan II University of Casablanca
Classification: Uncertain significance for Prostate cancer, hereditary, 1. Review status: no assertion criteria provided. Collection method: clinical testing. Allele origin: somatic. Affected: yes. Not counted in ClinVar's aggregate classification.